The following is an entry in ClinVar:

NM_000553.6(WRN):c.2294G>A (p.Gly765Asp)

Gene: WRN (WRN RecQ like helicase; plus strand). Cytogenetic location: 8p12.
Variant type: single nucleotide variant.
Coding change: c.2294G>A on transcript NM_000553.6 (MANE Select); coding-DNA position 2294, G replaced by A.
Protein change: p.Gly765Asp; replaces glycine 765 with aspartic acid.
Molecular consequence: missense variant.
Genome position (GRCh38, 1-based): chr8:31,116,374, G>A. VCF-style: chr8-31116374-G-A. GRCh37 (hg19) VCF-style: chr8-30973890-G-A.
Other names: short protein forms G765D.
Identifiers: ClinVar variation 404022 (VCV000404022.7), dbSNP rs754619565, ClinGen allele CA4704709.

ClinVar aggregate classification (germline): Uncertain significance (1 of 4 stars; one submission).

Conditions:
Werner syndrome (WRN). Identifiers: Orphanet 902, MedGen C0043119, MONDO:0010196, OMIM 277700.

Allele frequency attached by ClinVar (database versions not stated): gnomAD exomes below 0.00001; ExAC 0.00001; gnomAD 0.00001.
gnomAD v4.1: 3 of 1,613,660 alleles (0.00019%); highest among the groups gnomAD compares: Non-Finnish European, 0.00025%; no homozygotes.

Submission:

Labcorp Genetics (formerly Invitae), Labcorp
Classification: Uncertain significance for Werner syndrome. Last evaluated: 2024-05-06. Review status: criteria provided, single submitter. Criteria: Invitae Variant Classification Sherloc (09022015). Collection method: clinical testing. Allele origin: germline.
Comment: This sequence change replaces glycine, which is neutral and non-polar, with aspartic acid, which is acidic and polar, at codon 765 of the WRN protein (p.Gly765Asp). This variant is present in population databases (rs754619565, gnomAD 0.0009%). This variant has not been reported in the literature in individuals affected with WRN-related conditions. ClinVar contains an entry for this variant (Variation ID: 404022). An algorithm developed to predict the effect of missense changes on protein structure and function (PolyPhen-2) suggests that this variant is likely to be disruptive. In summary, the available evidence is currently insufficient to determine the role of this variant in disease. Therefore, it has been classified as a Variant of Uncertain Significance.